The following is an entry in ClinVar:

ClinVar aggregate classification (germline): Uncertain significance (1 of 4 stars; one submission).

Conditions:
Severe combined immunodeficiency, autosomal recessive, T cell-negative, B cell-negative, NK cell-positive. Also called: SCID, T CELL-NEGATIVE, B CELL-NEGATIVE, NK CELL-POSITIVE; SCID, AR, T-cell negative, B-cell negative, NK cell-positive; Severe combined immunodeficiency due to complete RAG1/2 deficiency. Identifiers: Orphanet 331206, MedGen C1832322, MONDO:0011086, OMIM 601457.
Combined immunodeficiency with skin granulomas. Identifiers: Orphanet 157949, MedGen C2673536, MONDO:0009306, OMIM 233650.

Submission:

Labcorp Genetics (formerly Invitae), Labcorp
Classification: Uncertain significance for Combined immunodeficiency with skin granulomas; Severe combined immunodeficiency, autosomal recessive, T cell-negative, B cell-negative, NK cell-positive. Last evaluated: 2020-09-16. Review status: criteria provided, single submitter. Criteria: Invitae Variant Classification Sherloc (09022015). Collection method: clinical testing. Allele origin: germline.
Comment: In summary, the available evidence is currently insufficient to determine the role of this variant in disease. Therefore, it has been classified as a Variant of Uncertain Significance. Advanced modeling of protein sequence and biophysical properties (such as structural, functional, and spatial information, amino acid conservation, physicochemical variation, residue mobility, and thermodynamic stability) performed at Invitae indicates that this missense variant is expected to disrupt RAG2 protein function. This variant has not been reported in the literature in individuals with RAG2-related conditions. This variant is not present in population databases (ExAC no frequency). This sequence change replaces leucine with proline at codon 522 of the RAG2 protein (p.Leu522Pro). The leucine residue is highly conserved and there is a moderate physicochemical difference between leucine and proline.

NM_000536.4(RAG2):c.1565T>C (p.Leu522Pro)

Gene: RAG2 (recombination activating 2; minus strand). Cytogenetic location: 11p12.
Variant type: single nucleotide variant.
Coding change: c.1565T>C on transcript NM_000536.4 (MANE Select); coding-DNA position 1565, T replaced by C.
Protein change: p.Leu522Pro; replaces leucine 522 with proline.
Molecular consequence: missense variant.
Genome position (GRCh38, 1-based): chr11:36,592,604, A>G on the plus strand (T>C on the coding strand, the complement: RAG2 is on the minus strand). VCF-style: chr11-36592604-A-G. GRCh37 (hg19) VCF-style: chr11-36614154-A-G.
Other names: c.1565T>C, p.Leu522Pro (NM_001243785.2, NM_001243786.2); short protein forms L522P.
Identifiers: ClinVar variation 1025581 (VCV001025581.8), dbSNP rs764457023, ClinGen allele CA380140088.